The following is an entry in ClinVar:

NM_000059.4(BRCA2):c.3881T>A (p.Leu1294Ter)

Gene: BRCA2 (BRCA2 DNA repair associated; plus strand). Cytogenetic location: 13q13.1.
Variant type: single nucleotide variant.
Coding change: c.3881T>A on transcript NM_000059.4 (MANE Select); coding-DNA position 3881, T replaced by A.
Protein change: p.Leu1294Ter; replaces leucine 1294 with a stop codon.
Molecular consequence: nonsense.
Genome position (GRCh38, 1-based): chr13:32,338,236, T>A. VCF-style: chr13-32338236-T-A. GRCh37 (hg19) VCF-style: chr13-32912373-T-A.
Other names: short protein forms L1294*.
Identifiers: ClinVar variation 51551 (VCV000051551.12), dbSNP rs80358632, ClinGen allele CA019063.

ClinVar aggregate classification (germline): Pathogenic. Review status: reviewed by expert panel (3 of 4 stars). 6 submissions from 6 submitters: Pathogenic (1). 5 of the submissions do not count toward it. Last evaluated 2016-09-08.

Conditions:
BRCA2-related disorder. Also called: BRCA2-related condition; BRCA2-related disorders. Identifiers: MedGen CN239275.
Hereditary breast ovarian cancer syndrome. Also called: Hereditary breast and ovarian cancer; BRCA1- and BRCA2-Associated Hereditary Breast and Ovarian Cancer; Hereditary breast and/or ovarian cancer syndrome; Hereditary breast and ovarian cancer syndrome; Breast and ovarian cancer; Hereditary breast and ovarian cancer syndrome (HBOC). Identifiers: Orphanet 145, MedGen C0677776, MeSH D061325, MONDO:0003582. Disease mechanism: loss of function.
Breast-ovarian cancer, familial, susceptibility to, 2 (BROVCA2). Also called: BRCA2 Hereditary Breast and Ovarian Cancer. Identifiers: Orphanet 145, MedGen C2675520, MONDO:0012933, OMIM 612555. Disease mechanism: loss of function.

gnomAD v4.1: 1 of 1,543,112 alleles (0.000065%); no homozygotes.

Submissions (6):

Evidence-based Network for the Interpretation of Germline Mutant Alleles (ENIGMA)
Classification: Pathogenic for Breast-ovarian cancer, familial, susceptibility to, 2. Last evaluated: 2016-09-08. Review status: reviewed by expert panel. Criteria: ENIGMA BRCA1/2 Classification Criteria (2015). Collection method: curation. Allele origin: germline.
Comment: Variant allele predicted to encode a truncated non-functional protein.

Labcorp Genetics (formerly Invitae), Labcorp
Classification: Pathogenic for Hereditary breast ovarian cancer syndrome. Last evaluated: 2024-02-23. Review status: criteria provided, single submitter. Criteria: Invitae Variant Classification Sherloc (09022015). Collection method: clinical testing. Allele origin: germline. Not counted in ClinVar's aggregate classification.
Comment: This sequence change creates a premature translational stop signal (p.Leu1294*) in the BRCA2 gene. It is expected to result in an absent or disrupted protein product. Loss-of-function variants in BRCA2 are known to be pathogenic (PMID: 20104584). This variant is not present in population databases (gnomAD no frequency). This premature translational stop signal has been observed in individual(s) with BRCA2-related conditions (PMID: 21520333). ClinVar contains an entry for this variant (Variation ID: 51551). For these reasons, this variant has been classified as Pathogenic.

Clinical Genetics Laboratory, Skane University Hospital Lund
Classification: Pathogenic. Last evaluated: 2023-02-23. Review status: criteria provided, single submitter. Criteria: ACMG Guidelines, 2015. Collection method: clinical testing. Allele origin: germline. Affected: yes. Not counted in ClinVar's aggregate classification.

Blueprint Genetics
Classification: Pathogenic for BRCA2-related disorders. Last evaluated: 2020-10-28. Review status: criteria provided, single submitter. Criteria: ACMG Guidelines, 2015. Collection method: clinical testing. Allele origin: germline. Affected: yes. Observed: 2 variant alleles. Not counted in ClinVar's aggregate classification.

BRCAlab, Lund University
Classification: Pathogenic for Breast-ovarian cancer, familial, susceptibility to, 2. Last evaluated: 2020-03-02. Review status: no assertion criteria provided. Collection method: clinical testing. Allele origin: germline. Affected: yes. Not counted in ClinVar's aggregate classification.

Breast Cancer Information Core (BIC) (BRCA2)
Classification: Pathogenic for Breast-ovarian cancer, familial 2. Last evaluated: 1998-02-06. Review status: no assertion criteria provided. Collection method: clinical testing. Allele origin: germline. Affected: yes. Observed: 1 variant allele. Not counted in ClinVar's aggregate classification.

Literature cited by the submitters: PubMed 20104584 (cited by Labcorp Genetics (formerly Invitae), Labcorp); PubMed 21520333 (cited by Labcorp Genetics (formerly Invitae), Labcorp).